The following is an entry in ClinVar:

ClinVar aggregate classification (germline): Likely pathogenic. Review status: reviewed by expert panel (3 of 4 stars). 4 submissions from 4 submitters: Likely pathogenic (1). 3 of the submissions do not count toward it. Last evaluated 2025-07-24.

Conditions:
Monogenic diabetes. Identifiers: Orphanet 183625, MedGen C3888631, MONDO:0015967.
Maturity-onset diabetes of the young (MODY). Also called: Maturity onset diabetes mellitus in young. Identifiers: Orphanet 552, MedGen C0342276, MONDO:0018911, HP:0004904.
Maturity-onset diabetes of the young type 3. Also called: MODY type 3; MODY, type III. Identifiers: Orphanet 552, MedGen C1838100, MeSH C563933, MONDO:0010894, OMIM 600496. Disease mechanism: loss of function.

Submissions (4):

ClinGen Monogenic Diabetes Variant Curation Expert Panel
Classification: Likely pathogenic for Monogenic diabetes. Last evaluated: 2025-07-24. Review status: reviewed by expert panel. Criteria: ClinGen Diabetes ACMG Specifications HNF1A V3.0.0. Collection method: curation. Allele origin: germline. Inheritance: Autosomal dominant inheritance.
Comment: The c.666_668del variant in the HNF1 homeoboxA gene, HNF1A, results in the inframe deletion of a single lysine at codon 222 of NM_000545.6 (PM4_Supporting). Functional in vitro studies demonstrated that cells with this variant showed severely impaired transactivation activity and DNA binding (significantly below 40%). Furthermore, cells with this variant showed low protein expression levels and impaired nuclear targeting with elevated immunofluorescence signal in the cytoplasm compared to WT HNF1A (PS3_Supporting; Janne Molnes, personal communication). This variant is located within a conserved region of the DNA binding domain (codons 107-174 and 201-280) of HNF1A, which is defined as critical for the protein’s function by the ClinGen MDEP. (PM1_Supporting). This variant was identified in two individuals with a clinical history highly specific for HNF1A-MODY (MODY probability calculator result >50%, negative genetic testing for HNF4A, and sulfonylurea-responsiveness in both and negative antibodies in one) (PP4_Moderate; PMID: 27913849, internal lab contributor). This variant segregated with disease with three informative meioses in a single family with MODY (PP1; internal lab contributor). Additionally, this variant is absent from gnomAD v2.1.1 and v4.1.0 (PM2_Supporting). This variant was identified in three unrelated individuals with non-autoimmune and non-absolute/near-absolute insulin-deficient diabetes; however, PS4_Moderate cannot be applied because this number is below the ClinGen MDEP threshold (PMID: 27913849, ClinVar: SCV000053177.2, internal lab contributors). In summary, c.666_668del meets the criteria to be classified as likely pathogenic for monogenic diabetes. ACMG/AMP criteria applied, as specified by the ClinGen MDEP VCEP (specification version 3.0.0, approved 6/30/2025): PS3_Supporting, PM1_Supporting, PP4_Moderate, PM2_Supporting, PM4_Supporting, PP1.

Victorian Clinical Genetics Services, Murdoch Childrens Research Institute
Classification: Likely pathogenic for Maturity-onset diabetes of the young type 3. Last evaluated: 2024-10-18. Review status: criteria provided, single submitter. Criteria: ACMG Guidelines, 2015. Collection method: clinical testing. Allele origin: germline. Affected: yes. Not counted in ClinVar's aggregate classification.
Comment: This variant is classified as Likely pathogenic. Evidence in support of pathogenic classification: Inframe deletion in a non-repetitive region that has high conservation; Variant is absent from gnomAD (v2, v3 and v4); This variant has strong previous evidence of pathogenicity in unrelated individuals. This variant has been classified as likely pathogenic by the ClinGen Monogenic Diabetes Variant Curation Expert Panel in ClinVar. Additional information: This variant is heterozygous; This gene is associated with autosomal dominant disease; No comparable inframe deletion variants have previous evidence for pathogenicity; Variant is located in the annotated DNA-binding domain (PMID: 18003757); Loss of function is a known mechanism of disease in this gene and is associated with maturity-onset diabetes of the young type III (MODY type III; MIM#600496); Inheritance information for this variant is not currently available in this individual.

Women's Health and Genetics/Laboratory Corporation of America, LabCorp
Classification: Likely pathogenic for MODY3. Last evaluated: 2011-08-18. Review status: criteria provided, single submitter. Criteria: LabCorp Variant Classification Summary - May 2015. Collection method: curation, clinical testing. Allele origin: germline. Inheritance: autosomal unknown. Affected: yes. Not counted in ClinVar's aggregate classification.
ClinVar note: Converted during submission from likely pathogenic to Likely pathogenic.

Clinical Genomics, Uppaluri K&H Personalized Medicine Clinic
Classification: Uncertain significance for Maturity-onset diabetes of the young. Review status: criteria provided, single submitter. Criteria: K & H Uppaluri Personalized Medicine Clinic Variant Classification & Assertion Criteria_Updated V.1. Collection method: research. Allele origin: unknown. Inheritance: Autosomal dominant inheritance. Not counted in ClinVar's aggregate classification.
Comment: Mutations in HNF1A gene can predispose to MODY3. It is associated with both micro and macrovascular complications of diabetes, especially cardiovascular complications. Associated with glucosuria. May respond well to sulfonylureas. However, more evidence is required to confer the association of this particular variant rs193922599with MODY3.

Literature cited by the submitters: PubMed 27913849 (cited by ClinGen Monogenic Diabetes Variant Curation Expert Panel); PubMed 18003757 (cited by Victorian Clinical Genetics Services, Murdoch Childrens Research Institute); PubMed 31517624 (cited by Clinical Genomics, Uppaluri K&H Personalized Medicine Clinic); PubMed 32395877 (cited by Clinical Genomics, Uppaluri K&H Personalized Medicine Clinic); PubMed 35328643 (cited by Clinical Genomics, Uppaluri K&H Personalized Medicine Clinic); PubMed 35673428 (cited by Clinical Genomics, Uppaluri K&H Personalized Medicine Clinic).

NM_000545.8(HNF1A):c.663GAA[1] (p.Lys222del)

Gene: HNF1A (HNF1 homeobox A; plus strand). Cytogenetic location: 12q24.31.
Variant type: Microsatellite.
Coding change: c.663GAA[1] on transcript NM_000545.8 (MANE Select); one copy of the 3-base unit GAA starting at c.663; the reference has two copies in a row; one copy, 3 bases deleted; also written c.666_668del.
Protein change: p.Lys222del; deletes lysine 222.
Molecular consequence: inframe deletion.
Genome position (GRCh38, 1-based): chr12:120,993,659-120,993,661, GAA deleted; deleting any 3 consecutive bases within chr12:120,993,655-120,993,661 gives the same sequence; the position shown is the placement nearest the transcript's 3' end. VCF-style (leftmost placement, unchanged base first): chr12-120993654-CAGA-C. GRCh37 (hg19) VCF-style: chr12-121431457-CAGA-C.
Other names: NM_000545.8(HNF1A):c.663GAA[1]; c.666_668del (NM_000545.8); c.663GAA[1], p.Lys222del (NM_001306179.2); short protein forms K222del.
Identifiers: ClinVar variation 36825 (VCV000036825.9), dbSNP rs193922599, ClinGen allele CA214314.
Genomic context (GRCh38, chr12:120,993,654, plus strand): 5'-AGGAACCGTTTCAAGTGGGGCCCAGCATCCCAGCAGATCCTGTTCCAGGCCTATGAGAGG[CAGA>C]AGAACCCTAGCAAGGAGGAGCGAGAGACGCTAGTGGAGGAGTGCAATAGGTACAACGGCG-3'